The following is an entry in ClinVar:

ClinVar aggregate classification (germline): Pathogenic. Review status: criteria provided, single submitter (1 of 4 stars). 2 submissions from 2 submitters: Pathogenic (1). 1 of the submissions does not count toward it. Last evaluated 2025-03-04.

Conditions:
Methylmalonic aciduria and homocystinuria type cblD (MAHCD). Also called: Methylmalonic aciduria with homocystinuria cblD type; METHYLMALONIC ACIDEMIA, cblH TYPE. Identifiers: Orphanet 622, Orphanet 79283, MedGen C1848552, MONDO:0010185, OMIM 277410.

Submissions (2):

GeneDx
Classification: Pathogenic. Last evaluated: 2025-03-04. Review status: criteria provided, single submitter. Criteria: GeneDx Variant Classification Process June 2021. Collection method: clinical testing. Allele origin: germline. Affected: yes.
Comment: Functional studies using patient-derived fibroblasts suggested an absence of AdoCbl activity and reduction of mRNA levels with no wildtype mRNA (PMID: 22156578); Frameshift variant predicted to result in protein truncation or nonsense mediated decay in a gene for which loss of function is a known mechanism of disease; Not observed at significant frequency in large population cohorts (gnomAD); This variant is associated with the following publications: (PMID: 22156578)

GeneReviews
No classification provided. Condition: Methylmalonic aciduria and homocystinuria type cblD. Review status: no classification provided. Collection method: literature only. Allele origin: germline. Affected: yes. Not counted in ClinVar's aggregate classification.

Literature cited by the submitters: PubMed 22156578 (cited by GeneReviews); NCBI Bookshelf NBK1231 (cited by GeneReviews).

NM_015702.3(MMADHC):c.228dup (p.Asn77fs)

Gene: MMADHC (metabolism of cobalamin associated D; minus strand). Cytogenetic location: 2q23.2.
Variant type: Duplication.
Coding change: c.228dup on transcript NM_015702.3 (MANE Select); coding-DNA position 228, one base duplicated (G; older notation c.228dupG).
Protein change: p.Asn77fs; shifts the reading frame from asparagine 77.
Molecular consequence: frameshift variant.
Genome position (GRCh38, 1-based): chr2:149,579,575, C duplicated on the plus strand (G on the coding strand, the reverse complement: MMADHC is on the minus strand); the first of 3 consecutive C bases (chr2:149,579,575-149,579,577); duplicating any one gives the same sequence. VCF-style (leftmost placement, unchanged base first): chr2-149579574-T-TC. GRCh37 (hg19) VCF-style: chr2-150436088-T-TC.
Other names: c.228dupG (NM_015702.2); c.228dup (NM_015702.2); short protein forms N77fs.
Identifiers: ClinVar variation 219000 (VCV000219000.3), dbSNP rs864309741, ClinGen allele CA347891.